The following is an entry in ClinVar:

ClinVar aggregate classification (germline): Uncertain significance (1 of 4 stars; one submission).

Allele frequency attached by ClinVar (database versions not stated): ExAC 0.00001; gnomAD exomes 0.00001; TOPMed 0.00001.
gnomAD v4.1: 3 of 1,614,108 alleles (0.00019%); highest among the groups gnomAD compares: Admixed American, 0.005%; no homozygotes.

Submission:

Labcorp Genetics (formerly Invitae), Labcorp
Classification: Uncertain significance. Last evaluated: 2022-06-15. Review status: criteria provided, single submitter. Criteria: Invitae Variant Classification Sherloc (09022015). Collection method: clinical testing. Allele origin: germline.
Comment: This variant is present in population databases (rs746704103, gnomAD 0.006%). This variant has not been reported in the literature in individuals affected with ABCG8-related conditions. Variants that disrupt the consensus splice site are a relatively common cause of aberrant splicing (PMID: 17576681, 9536098). Algorithms developed to predict the effect of sequence changes on RNA splicing suggest that this variant may disrupt the consensus splice site. In summary, the available evidence is currently insufficient to determine the role of this variant in disease. Therefore, it has been classified as a Variant of Uncertain Significance. This sequence change falls in intron 7 of the ABCG8 gene. It does not directly change the encoded amino acid sequence of the ABCG8 protein. It affects a nucleotide within the consensus splice site.

Literature cited by the submitters: PubMed 17576681; PubMed 9536098.

NM_022437.3(ABCG8):c.1127+5G>A

Gene: ABCG8 (ATP binding cassette subfamily G member 8; plus strand). Cytogenetic location: 2p21.
Variant type: single nucleotide variant.
Coding change: c.1127+5G>A on transcript NM_022437.3 (MANE Select); 5 bases into the intron after coding-DNA position 1127, G replaced by A.
Molecular consequence: intron variant.
Genome position (GRCh38, 1-based): chr2:43,872,143, G>A. VCF-style: chr2-43872143-G-A. GRCh37 (hg19) VCF-style: chr2-44099282-G-A.
Other names: c.1127+5G>A (NM_001357321.2).
Identifiers: ClinVar variation 2057846 (VCV002057846.4), dbSNP rs746704103, ClinGen allele CA1637289.